The following is an entry in ClinVar:

ClinVar aggregate classification (germline): Uncertain significance (1 of 4 stars; one submission).

Conditions:
Dilated cardiomyopathy 1G (CMD1G). Identifiers: Orphanet 154, MedGen C1858763, MONDO:0011400, OMIM 604145.
Autosomal recessive limb-girdle muscular dystrophy type 2J (LGMDR10). Also called: Limb-girdle muscular dystrophy, type 2J; MUSCULAR DYSTROPHY, LIMB-GIRDLE, AUTOSOMAL RECESSIVE 10. Identifiers: Orphanet 140922, MedGen C1837342, MONDO:0012127, OMIM 608807.

Submission:

Labcorp Genetics (formerly Invitae), Labcorp
Classification: Uncertain significance for Dilated cardiomyopathy 1G; Autosomal recessive limb-girdle muscular dystrophy type 2J. Last evaluated: 2025-01-11. Review status: criteria provided, single submitter. Criteria: Invitae Variant Classification Sherloc (09022015). Collection method: clinical testing. Allele origin: germline.
Comment: This sequence change replaces alanine, which is neutral and non-polar, with threonine, which is neutral and polar, at codon 35284 of the TTN protein (p.Ala35284Thr). This variant is not present in population databases (gnomAD no frequency). This variant has not been reported in the literature in individuals affected with TTN-related conditions. Experimental studies and prediction algorithms are not available or were not evaluated, and the functional significance of this variant is currently unknown. This variant is located in the M band of TTN (PMID: 25589632). Non-truncating variants in this region may be relevant for neuromuscular disorders, but have not been definitively shown to cause cardiomyopathy (PMID: 23975875). In summary, the available evidence is currently insufficient to determine the role of this variant in disease. Therefore, it has been classified as a Variant of Uncertain Significance.

Literature cited by the submitters: PubMed 25589632; PubMed 23975875.

NM_001267550.2(TTN):c.105850G>A (p.Ala35284Thr)

Genes: TTN-AS1 (TTN antisense RNA 1; plus strand), TTN (titin; minus strand), LOC129935183 (ATAC-STARR-seq lymphoblastoid active region 16808; plus strand). Cytogenetic location: 2q31.2.
Variant type: single nucleotide variant.
Coding change: c.105850G>A on transcript NM_001267550.2 (MANE Select); coding-DNA position 105850, G replaced by A.
Protein change: p.Ala35284Thr; replaces alanine 35284 with threonine.
Molecular consequence: missense variant.
Genome position (GRCh38, 1-based): chr2:178,530,765, C>T on the plus strand (G>A on the coding strand, the complement: TTN is on the minus strand). VCF-style: chr2-178530765-C-T. GRCh37 (hg19) VCF-style: chr2-179395492-C-T.
Other names: c.100927G>A, p.Ala33643Thr (NM_001256850.1); c.78655G>A, p.Ala26219Thr (NM_003319.4); c.98146G>A, p.Ala32716Thr (NM_133378.4); c.79030G>A, p.Ala26344Thr (NM_133432.3); c.79231G>A, p.Ala26411Thr (NM_133437.4); short protein forms A26219T, A26344T, A26411T, A32716T, A33643T, A35284T.
Identifiers: ClinVar variation 3747998 (VCV003747998.2).